The following is an entry in ClinVar:

NM_000551.4(VHL):c.340+825C>T

Genes: VHL (von Hippel-Lindau tumor suppressor; plus strand), LOC107303340 (3p25 von Hippel-Lindau tumor suppressor, E3 ubiquitin protein ligase Alu-mediated recombination region; plus strand). Cytogenetic location: 3p25.3.
Variant type: single nucleotide variant.
Coding change: c.340+825C>T on transcript NM_000551.4 (MANE Select); 825 bases into the intron after coding-DNA position 340, C replaced by T.
Molecular consequence: intron variant. On other transcripts: 3 prime UTR variant (1).
Genome position (GRCh38, 1-based): chr3:10,143,012, C>T. VCF-style: chr3-10143012-C-T. GRCh37 (hg19) VCF-style: chr3-10184696-C-T.
Other names: c.*8C>T (NM_001354723.2); c.340+825C>T (NM_198156.3).
Identifiers: ClinVar variation 1037827 (VCV001037827.9), dbSNP rs1156980093, ClinGen allele CA896160364.

ClinVar aggregate classification (germline): Uncertain significance (1 of 4 stars; one submission).

Conditions:
Chuvash polycythemia. Also called: POLYCYTHEMIA, VHL-DEPENDENT. Identifiers: Orphanet 238557, MedGen C1837915, MONDO:0009892, OMIM 263400.
Von Hippel-Lindau syndrome (VHLS). Also called: Von Hippel-Lindau; VHL syndrome; von Hippel–Lindau syndrome. Identifiers: Orphanet 892, MedGen C0019562, MONDO:0008667, OMIM 193300. Disease mechanism: loss of function.

Allele frequency attached by ClinVar (database versions not stated): gnomAD 0.00001; TOPMed 0.00001.

Submission:

Labcorp Genetics (formerly Invitae), Labcorp
Classification: Uncertain significance for Von Hippel-Lindau syndrome; Chuvash polycythemia. Last evaluated: 2025-12-23. Review status: criteria provided, single submitter. Criteria: Invitae Variant Classification Sherloc (09022015). Collection method: clinical testing. Allele origin: germline.
Comment: This sequence change falls in intron 1 of the VHL gene. It is not expected to change the encoded amino acid sequence of the VHL protein. However, this sequence change falls within a cryptic exon in the VHL gene, known as exon E1’, which is naturally expressed at low levels in several human tissues (PMID: 29891534). This variant is not present in population databases (gnomAD no frequency). This variant has not been reported in the literature in individuals affected with VHL-related conditions. ClinVar contains an entry for this variant (Variation ID: 1037827). Algorithms developed to predict the effect of sequence changes on RNA splicing suggest that this variant is not likely to affect RNA splicing. In summary, the available evidence is currently insufficient to determine the role of this variant in disease. Therefore, it has been classified as a Variant of Uncertain Significance.

Literature cited by the submitters: PubMed 29891534.